The following is an entry in ClinVar:

ClinVar aggregate classification (germline): Uncertain significance. Review status: criteria provided, multiple submitters, no conflicts (2 of 4 stars). 2 submissions from 2 submitters: Uncertain significance (2). Last evaluated 2022-06-24.

Conditions:
Inborn genetic diseases. Identifiers: MedGen C0950123, MeSH D030342.

Allele frequency attached by ClinVar (database versions not stated): gnomAD 0.00001 and 0.00003; gnomAD exomes 0.00001 and 0.00002; ExAC 0.00002; TOPMed 0.00006.

Submissions (2):

Ambry Genetics
Classification: Uncertain significance for Inborn genetic diseases. Last evaluated: 2022-06-24. Review status: criteria provided, single submitter. Criteria: Ambry Variant Classification Scheme 2023. Collection method: clinical testing. Allele origin: germline.

GeneDx
Classification: Uncertain significance. Last evaluated: 2020-03-18. Review status: criteria provided, single submitter. Criteria: GeneDx Variant Classification Process June 2021. Collection method: clinical testing. Allele origin: germline. Affected: yes.
Comment: In silico analysis supports that this missense variant does not alter protein structure/function; Has not been previously published as pathogenic or benign to our knowledge

NM_000369.5(TSHR):c.908A>T (p.Glu303Val)

Genes: TSHR (thyroid stimulating hormone receptor; plus strand), TSHR-AS1 (TSHR antisense RNA 1; minus strand). Cytogenetic location: 14q31.1.
Variant type: single nucleotide variant.
Coding change: c.908A>T on transcript NM_000369.5 (MANE Select); coding-DNA position 908, A replaced by T.
Protein change: p.Glu303Val; replaces glutamic acid 303 with valine.
Molecular consequence: missense variant.
Genome position (GRCh38, 1-based): chr14:81,142,966, A>T. VCF-style: chr14-81142966-A-T. GRCh37 (hg19) VCF-style: chr14-81609310-A-T.
Other names: short protein forms E303V.
Identifiers: ClinVar variation 1315403 (VCV001315403.4), dbSNP rs756847429, ClinGen allele CA7294357.